The following is an entry in ClinVar:

NM_181523.3(PIK3R1):c.1703C>A (p.Pro568Gln)

Gene: PIK3R1 (phosphoinositide-3-kinase regulatory subunit 1; plus strand). Cytogenetic location: 5q13.1.
Variant type: single nucleotide variant.
Coding change: c.1703C>A on transcript NM_181523.3 (MANE Select); coding-DNA position 1703, C replaced by A.
Protein change: p.Pro568Gln; replaces proline 568 with glutamine.
Molecular consequence: missense variant.
Genome position (GRCh38, 1-based): chr5:68,295,282, C>A. VCF-style: chr5-68295282-C-A. GRCh37 (hg19) VCF-style: chr5-67591110-C-A.
Other names: c.614C>A, p.Pro205Gln (NM_001242466.2); c.893C>A, p.Pro298Gln (NM_181504.4); c.803C>A, p.Pro268Gln (NM_181524.2); short protein forms P268Q, P205Q, P298Q, P568Q.
Identifiers: ClinVar variation 2951820 (VCV002951820.3), dbSNP rs2112276496, ClinGen allele CA359883069.

ClinVar aggregate classification (germline): Uncertain significance (1 of 4 stars; one submission).

Conditions:
SHORT syndrome. Also called: LIPODYSTROPHY, PARTIAL, WITH RIEGER ANOMALY AND SHORT STATURE; PIK3R1-Related SHORT Syndrome; SHORT STATURE, HYPEREXTENSIBILITY, HERNIA, OCULAR DEPRESSION, RIEGER ANOMALY, AND TEETHING DELAY. Identifiers: Orphanet 3163, MedGen C0878684, MONDO:0010026, OMIM 269880.
Agammaglobulinemia 7, autosomal recessive (AGM7). Also called: AGAMMAGLOBULINEMIA, AUTOSOMAL RECESSIVE, DUE TO PIK3R1 DEFECT. Identifiers: MedGen C3554689, MONDO:0014083, OMIM 615214.
Immunodeficiency 36 with lymphoproliferation. Also called: Immunodeficiency 36; ACTIVATED PI3K-DELTA SYNDROME 2; Activated PI3K Delta Syndrome Type 2 (APDS2). Identifiers: Orphanet 397596, Orphanet 693681, MedGen C4014934, MONDO:0014453, OMIM 616005.

Submission:

Labcorp Genetics (formerly Invitae), Labcorp
Classification: Uncertain significance for SHORT syndrome; Immunodeficiency 36 with lymphoproliferation; Agammaglobulinemia 7, autosomal recessive. Last evaluated: 2023-09-10. Review status: criteria provided, single submitter. Criteria: Invitae Variant Classification Sherloc (09022015). Collection method: clinical testing. Allele origin: germline.
Comment: In summary, the available evidence is currently insufficient to determine the role of this variant in disease. Therefore, it has been classified as a Variant of Uncertain Significance. Advanced modeling of protein sequence and biophysical properties (such as structural, functional, and spatial information, amino acid conservation, physicochemical variation, residue mobility, and thermodynamic stability) performed at Invitae indicates that this missense variant is expected to disrupt PIK3R1 protein function. This variant has not been reported in the literature in individuals affected with PIK3R1-related conditions. This variant is not present in population databases (gnomAD no frequency). This sequence change replaces proline, which is neutral and non-polar, with glutamine, which is neutral and polar, at codon 568 of the PIK3R1 protein (p.Pro568Gln).